The following is an entry in ClinVar:

ClinVar aggregate classification (germline): Pathogenic. Review status: criteria provided, multiple submitters, no conflicts (2 of 4 stars). 5 submissions from 4 submitters: Pathogenic (3). 2 of the submissions do not count toward it. Last evaluated 2018-11-14.

Conditions:
Developmental delay with variable intellectual impairment and behavioral abnormalities. Identifiers: MedGen C5193092, MONDO:0032745, OMIM 618430.
Inborn genetic diseases. Identifiers: MedGen C0950123, MeSH D030342.
Neurodevelopmental abnormality. Identifiers: MedGen C4022737, HP:0012759.
Neurodevelopmental delay. Identifiers: MedGen C4022738, HP:0012758.

Submissions (5):

GeneDx
Classification: Pathogenic for Neurodevelopmental abnormality. Last evaluated: 2018-11-14. Review status: criteria provided, single submitter. Criteria: GeneDx Variant Classification (06012015). Collection method: clinical testing. Allele origin: unknown. Affected: yes.

Ambry Genetics
Classification: Pathogenic for Inborn genetic diseases. Last evaluated: 2017-05-10. Review status: criteria provided, single submitter. Criteria: Ambry exome assertion method (8-5-2015). Collection method: clinical testing. Allele origin: germline. Affected: yes. Observed: 1 variant allele.

Centre de Biologie Pathologie Génétique, Centre Hospitalier Universitaire de Lille
Classification: Pathogenic for Neurodevelopmental delay. Review status: criteria provided, single submitter. Criteria: ACMG Guidelines, 2015. Collection method: clinical testing. Allele origin: de novo. Affected: yes.

OMIM
Classification: Pathogenic for DEVELOPMENTAL DELAY WITH VARIABLE INTELLECTUAL IMPAIRMENT AND BEHAVIORAL ABNORMALITIES. Last evaluated: 2019-05-20. Review status: no assertion criteria provided. Collection method: literature only. Allele origin: germline. Not counted in ClinVar's aggregate classification.

GeneDx
Classification: Pathogenic. Last evaluated: 2018-11-14. Review status: flagged submission. Criteria: GeneDx Variant Classification (06012015). Collection method: clinical testing. Allele origin: germline. Affected: yes. Not counted in ClinVar's aggregate classification.
Comment: The R742X variant in the TCF20 gene has been observed in internal GeneDx whole exome sequencing data in association with intellectual disability, global developmental delay, autism spectrum disorder, neurologic abnormalities, and dysmorphic features. This variant is predicted to cause loss of normal protein function either through protein truncation or nonsense-mediated mRNA decay. The R742X variant is not observed in large population cohorts (Lek et al., 2016). Therefore, we interpret R742X as a pathogenic variant.
ClinVar note: Reason: This record appears to be redundant with a more recent record from the same submitter.
ClinVar note: Notes: SCV000890375 appears to be redundant with SCV000854578.

Literature cited by the submitters: PubMed 30739909 (cited by OMIM).

NM_001378418.1(TCF20):c.2224C>T (p.Arg742Ter)

Gene: TCF20 (transcription factor 20; minus strand). Cytogenetic location: 22q13.2.
Variant type: single nucleotide variant.
Coding change: c.2224C>T on transcript NM_001378418.1 (MANE Select); coding-DNA position 2224, C replaced by T.
Protein change: p.Arg742Ter; replaces arginine 742 with a stop codon.
Molecular consequence: nonsense.
Genome position (GRCh38, 1-based): chr22:42,213,082, G>A on the plus strand (C>T on the coding strand, the complement: TCF20 is on the minus strand). VCF-style: chr22-42213082-G-A. GRCh37 (hg19) VCF-style: chr22-42609088-G-A.
Other names: c.2224C>T, p.Arg742Ter (NM_005650.4, NM_181492.3); short protein forms R742*.
Identifiers: ClinVar variation 521787 (VCV000521787.9), dbSNP rs1555926209, ClinGen allele CA411789131.